The following is an entry in ClinVar:

ClinVar aggregate classification (germline): Uncertain significance (1 of 4 stars; one submission).

Conditions:
Hereditary cancer-predisposing syndrome. Also called: Neoplastic Syndromes, Hereditary; Tumor predisposition; Hereditary Cancer Syndrome; Hereditary neoplastic syndrome. Identifiers: Orphanet 140162, MedGen C0027672, MeSH D009386, MONDO:0015356.

Submission:

Ambry Genetics
Classification: Uncertain significance for Hereditary cancer-predisposing syndrome. Last evaluated: 2025-12-16. Review status: criteria provided, single submitter. Criteria: Ambry Variant Classification Scheme 2023. Collection method: clinical testing. Allele origin: germline.
Comment: The c.-2C>T variant is located in the 5' untranslated region (5&rsquo; UTR) of the BMPR1A gene. This variant results from a C to T substitution 2 bases upstream from the first translated codon. This nucleotide position is highly conserved in available vertebrate species. Based on the available evidence, the clinical significance of this variant remains unclear.

NM_004329.3(BMPR1A):c.-2C>T

Gene: BMPR1A (bone morphogenetic protein receptor type 1A; plus strand). Cytogenetic location: 10q23.2.
Variant type: single nucleotide variant.
Coding change: c.-2C>T on transcript NM_004329.3 (MANE Select); 2 bases upstream of the start codon, C replaced by T.
Molecular consequence: 5 prime UTR variant. On other transcripts: non-coding transcript variant (3), intron variant (4).
Genome position (GRCh38, 1-based): chr10:86,876,017, C>T. VCF-style: chr10-86876017-C-T. GRCh37 (hg19) VCF-style: chr10-88635774-C-T.
Other names: c.-2C>T (NM_001406559.1, NM_001406560.1, NM_001406561.1 and 23 more transcripts); c.-81C>T (NM_001406588.1); c.-17-14045C>T (NM_001406584.1, NM_001406587.1, NM_001406585.1); c.-12-14050C>T (NM_001406586.1).
Identifiers: ClinVar variation 4842476 (VCV004842476.1).
Genomic context (GRCh38, chr10:86,876,017, plus strand): 5'-TGGTGAAGTAGCAAGACCAATTATTAAAGGTGACAGTACACAGGAAACATTACAATTGAA[C>T]AATGCCTCAGCTATACATTTACATCAGATTATTGGGAGCCTATTTGTTCATCATTTCTCG-3'